The following is an entry in ClinVar:

NM_001112741.2(KCNC1):c.528C>G (p.Ile176Met)

Gene: KCNC1 (potassium voltage-gated channel subfamily C member 1; plus strand). Cytogenetic location: 11p15.1.
Variant type: single nucleotide variant.
Coding change: c.528C>G on transcript NM_001112741.2 (MANE Select); coding-DNA position 528, C replaced by G.
Protein change: p.Ile176Met; replaces isoleucine 176 with methionine.
Molecular consequence: missense variant.
Genome position (GRCh38, 1-based): chr11:17,736,530, C>G. VCF-style: chr11-17736530-C-G. GRCh37 (hg19) VCF-style: chr11-17758077-C-G.
Other names: c.528C>G, p.Ile176Met (NM_004976.4); short protein forms I176M.
Identifiers: ClinVar variation 2867295 (VCV002867295.3), dbSNP rs2497736989, ClinGen allele CA379801959.

ClinVar aggregate classification (germline): Uncertain significance (1 of 4 stars; one submission).

Conditions:
Progressive myoclonic epilepsy type 7. Identifiers: Orphanet 435438, MedGen C4015420, MONDO:0014521, OMIM 616187.

Submission:

Labcorp Genetics (formerly Invitae), Labcorp
Classification: Uncertain significance for Progressive myoclonic epilepsy type 7. Last evaluated: 2023-05-23. Review status: criteria provided, single submitter. Criteria: Invitae Variant Classification Sherloc (09022015). Collection method: clinical testing. Allele origin: germline.
Comment: In summary, the available evidence is currently insufficient to determine the role of this variant in disease. Therefore, it has been classified as a Variant of Uncertain Significance. Advanced modeling of protein sequence and biophysical properties (such as structural, functional, and spatial information, amino acid conservation, physicochemical variation, residue mobility, and thermodynamic stability) performed at Invitae indicates that this missense variant is not expected to disrupt KCNC1 protein function. This variant has not been reported in the literature in individuals affected with KCNC1-related conditions. This variant is not present in population databases (gnomAD no frequency). This sequence change replaces isoleucine, which is neutral and non-polar, with methionine, which is neutral and non-polar, at codon 176 of the KCNC1 protein (p.Ile176Met).